The following is an entry in ClinVar:

ClinVar aggregate classification (germline): Uncertain significance (1 of 4 stars; one submission).

Submission:

GeneDx
Classification: Uncertain significance. Last evaluated: 2025-01-13. Review status: criteria provided, single submitter. Criteria: GeneDx Variant Classification Process June 2021. Collection method: clinical testing. Allele origin: germline. Affected: yes.
Comment: Not observed at significant frequency in large population cohorts (gnomAD); In silico analysis supports that this missense variant has a deleterious effect on protein structure/function; Has not been previously published as pathogenic or benign to our knowledge.

NM_019842.4(KCNQ5):c.1733G>A (p.Gly578Glu)

Gene: KCNQ5 (potassium voltage-gated channel subfamily Q member 5; plus strand). Cytogenetic location: 6q13.
Variant type: single nucleotide variant.
Coding change: c.1733G>A on transcript NM_019842.4 (MANE Select); coding-DNA position 1733, G replaced by A.
Protein change: p.Gly578Glu; replaces glycine 578 with glutamic acid.
Molecular consequence: missense variant.
Genome position (GRCh38, 1-based): chr6:73,192,588, G>A. VCF-style: chr6-73192588-G-A. GRCh37 (hg19) VCF-style: chr6-73902311-G-A.
Other names: c.1706G>A, p.Gly569Glu (NM_001160130.2); c.1763G>A, p.Gly588Glu (NM_001160132.2); c.1790G>A, p.Gly597Glu (NM_001160133.2); c.1403G>A, p.Gly468Glu (NM_001160134.2); short protein forms G468E, G569E, G578E, G588E, G597E.
Identifiers: ClinVar variation 4070767 (VCV004070767.1).